The following is an entry in ClinVar:

NM_000277.3(PAH):c.521T>C (p.Ile174Thr)

Gene: PAH (phenylalanine hydroxylase; minus strand). Cytogenetic location: 12q23.2.
Variant type: single nucleotide variant.
Coding change: c.521T>C on transcript NM_000277.3 (MANE Select); coding-DNA position 521, T replaced by C.
Protein change: p.Ile174Thr; replaces isoleucine 174 with threonine.
Molecular consequence: missense variant.
Genome position (GRCh38, 1-based): chr12:102,855,321, A>G on the plus strand (T>C on the coding strand, the complement: PAH is on the minus strand). VCF-style: chr12-102855321-A-G. GRCh37 (hg19) VCF-style: chr12-103249099-A-G.
Other names: c.521T>C, p.Ile174Thr (NM_001354304.2); short protein forms I174T.
Identifiers: ClinVar variation 102721 (VCV000102721.2), dbSNP rs138809906, ClinGen allele CA229604.
Genomic context (GRCh38, chr12:102,855,321, plus strand): 5'-AGAGTCTTGAACACTGTGCCCCATGTTTTCTTTTCTTCCTCCATGTATTCCACTCGAGGG[A>G]TGGGCTGCCCACTAGAATACAGGCACAAAATAGGTGTCTCAAGCAGGGCAGGGGCACAGC-3'
Protein context (NP_000268.1, residues 164-184): IAYNYRHGQP[Ile174Thr]PRVEYMEEEK

ClinVar aggregate classification (germline): Pathogenic. Review status: reviewed by expert panel (3 of 4 stars). 2 submissions from 2 submitters: Pathogenic (1). 1 of the submissions does not count toward it. Last evaluated 2019-04-08.

Conditions:
Phenylketonuria (PKU). Also called: Phenylketonuria (PKU); FOLLING DISEASE; OLIGOPHRENIA PHENYLPYRUVICA; Phenylketonurias. Identifiers: Orphanet 716, MedGen C0031485, MONDO:0009861, OMIM 261600. Disease mechanism: loss of function.

Submissions (2):

ClinGen PAH Variant Curation Expert Panel
Classification: Pathogenic for Phenylketonuria. Last evaluated: 2019-04-08. Review status: reviewed by expert panel. Criteria: ClinGen PAH ACMG Specifications v1. Collection method: curation. Allele origin: germline. Inheritance: Autosomal recessive inheritance.
Comment: The c.521T>C (p.Ile174Thr) variant in PAH has been reported in 2 individuals with PKU (BH4 deficiency excluded). (PP4_Moderate; PMID: 9634518). This variant is absent from ExAC/gnomAD, 1000 Genomes, ESP (PM2). This variant has 1-15% enzyme activity (PS3; PMID: 11161839). This variant was detected in with p.F299C (P/LP, 6 submitters) (PM3; PMID: 23842451). Computational prediction tools and conservation analysis suggest that the variant may impact the protein (PP3). In summary, this variant meets criteria to be classified as pathogenic for PAH. PAH-specific ACMG/AMP criteria applied: PP4_Moderate, PS3, PM2, PM3, PP3

DeBelle Laboratory for Biochemical Genetics, MUHC/MCH RESEARCH INSTITUTE
No classification provided. Review status: no classification provided. Collection method: not provided. Allele origin: not provided. Not counted in ClinVar's aggregate classification.

Literature cited by the submitters: PubMed 23842451 (cited by ClinGen PAH Variant Curation Expert Panel); PubMed 11161839 (cited by ClinGen PAH Variant Curation Expert Panel); PubMed 9634518 (cited by ClinGen PAH Variant Curation Expert Panel).